The following is an entry in ClinVar:

ClinVar aggregate classification (germline): Likely pathogenic (1 of 4 stars; one submission).

Conditions:
Hypertrophic cardiomyopathy. Also called: HYPERTROPHIC MYOCARDIOPATHY. Identifiers: Orphanet 217569, MedGen C0007194, MeSH D002312, MONDO:0005045, HP:0001639.

Submission:

Labcorp Genetics (formerly Invitae), Labcorp
Classification: Likely pathogenic for Hypertrophic cardiomyopathy. Last evaluated: 2025-10-13. Review status: criteria provided, single submitter. Criteria: Invitae Variant Classification Sherloc (09022015). Collection method: clinical testing. Allele origin: germline.
Comment: This sequence change replaces glutamic acid, which is acidic and polar, with glycine, which is neutral and non-polar, at codon 380 of the MYH7 protein (p.Glu380Gly). This variant is not present in population databases (gnomAD no frequency). This missense change has been observed in individual(s) with hypertrophic cardiomyopathy (internal data). In at least one individual the variant was observed to be de novo. An algorithm developed to predict the effect of missense changes on protein structure and function (PolyPhen-2) suggests that this variant is likely to be tolerated. In summary, the currently available evidence indicates that the variant is pathogenic, but additional data are needed to prove that conclusively. Therefore, this variant has been classified as Likely Pathogenic.

NM_000257.4(MYH7):c.1139A>G (p.Glu380Gly)

Gene: MYH7 (myosin heavy chain 7; minus strand). Cytogenetic location: 14q11.2.
Variant type: single nucleotide variant.
Coding change: c.1139A>G on transcript NM_000257.4 (MANE Select); coding-DNA position 1139, A replaced by G.
Protein change: p.Glu380Gly; replaces glutamic acid 380 with glycine.
Molecular consequence: missense variant.
Genome position (GRCh38, 1-based): chr14:23,429,347, T>C on the plus strand (A>G on the coding strand, the complement: MYH7 is on the minus strand). VCF-style: chr14-23429347-T-C. GRCh37 (hg19) VCF-style: chr14-23898556-T-C.
Other names: c.1139A>G, p.Glu380Gly (NM_001407004.1); short protein forms E380G.
Identifiers: ClinVar variation 4723042 (VCV004723042.1).